The following is an entry in ClinVar:

ClinVar aggregate classification (germline): Benign (1 of 4 stars; one submission).

Conditions:
Hereditary cancer-predisposing syndrome. Also called: Hereditary Cancer Syndrome; Hereditary neoplastic syndrome; Neoplastic Syndromes, Hereditary; Tumor predisposition. Identifiers: Orphanet 140162, MedGen C0027672, MeSH D009386, MONDO:0015356.

Submission:

Hereditary Cancer Laboratory, Hospital Universitario 12 de Octubre
Classification: Benign for Hereditary cancer-predisposing syndrome. Last evaluated: 2020-10-13. Review status: criteria provided, single submitter. Criteria: ACMG Guidelines, 2015. Collection method: clinical testing. Allele origin: germline.
Comment: BA1

NM_002691.4(POLD1):c.3219-15_3219-14insTGCCCC

Gene: POLD1 (DNA polymerase delta 1, catalytic subunit; plus strand). Cytogenetic location: 19q13.33.
Variant type: Insertion.
Coding change: c.3219-15_3219-14insTGCCCC on transcript NM_002691.4 (MANE Select); 15 bases into the intron before coding-DNA position 3219 through 14 bases into the intron before coding-DNA position 3219, TGCCCC inserted.
Molecular consequence: intron variant.
Genome position: GRCh38 VCF-style: chr19-50417827-T-TTGCCCC. GRCh37 (hg19) VCF-style: chr19-50921084-T-TTGCCCC.
Other names: c.3219-15_3219-14insTGCCCC (NM_001256849.1); c.3297-15_3297-14insTGCCCC (NM_001308632.1).
Identifiers: ClinVar variation 3906158 (VCV003906158.1).
Genomic context (GRCh38, chr19:50,417,827, plus strand): 5'-ACAGCCCCCACCCCTCTCCCAGGCTGGGCACTGGGCCTTGGCTGGTCCTGACCCTGCCCC[T>TTGCCCC]GCCCCCACCCGCAGCCGGGACTGCCCCATCTTCTACATGCGCAAGAAGGTGCGGAAGGAC-3'